The following is an entry in ClinVar:

ClinVar aggregate classification (germline): Uncertain significance (1 of 4 stars; one submission).

Conditions:
Amyotrophic lateral sclerosis (ALS). Also called: Lou Gehrig disease; Charcot disease. Identifiers: Orphanet 803, MedGen C0002736, MONDO:0004976, HP:0007354.

Submission:

Department of Neurology, Brain Research Institute, Niigata University
Classification: Uncertain significance for Amyotrophic lateral sclerosis. Last evaluated: 2026-09-21. Review status: criteria provided, single submitter. Criteria: ACMG Guidelines, 2015. Collection method: research. Allele origin: unknown. Affected: yes.
Comment: This variant was absent from controls, including ExAC and gnomAD (PM2_Supporting).

NM_004960.4:c.520_525del

Gene: FUS (FUS RNA binding protein; plus strand).
Variant type: Deletion.
Other names: c.520_525del (NM_004960.4).
Identifiers: ClinVar variation 4820024 (VCV004820024.2).